The following is an entry in ClinVar:

ClinVar aggregate classification (germline): Uncertain significance. Review status: criteria provided, multiple submitters, no conflicts (2 of 4 stars). 3 submissions from 3 submitters: Uncertain significance (3). Last evaluated 2025-11-22.

Conditions:
Hereditary cancer-predisposing syndrome. Also called: Neoplastic Syndromes, Hereditary; Hereditary Cancer Syndrome; Tumor predisposition; Hereditary neoplastic syndrome. Identifiers: Orphanet 140162, MedGen C0027672, MeSH D009386, MONDO:0015356.
EGFR-related lung cancer (EGFR). Identifiers: MedGen CN130014.
Hereditary cancer. Identifiers: MedGen C1333600.

Allele frequency attached by ClinVar (database versions not stated): gnomAD exomes below 0.00001.
gnomAD v4.1: 2 of 1,614,176 alleles (0.00012%); highest among the groups gnomAD compares: Non-Finnish European, 0.00017%; no homozygotes.

Submissions (3):

Labcorp Genetics (formerly Invitae), Labcorp
Classification: Uncertain significance for EGFR-related lung cancer. Last evaluated: 2025-11-22. Review status: criteria provided, single submitter. Criteria: Invitae Variant Classification Sherloc (09022015). Collection method: clinical testing. Allele origin: germline.
Comment: This sequence change replaces arginine, which is basic and polar, with cysteine, which is neutral and slightly polar, at codon 999 of the EGFR protein (p.Arg999Cys). This variant is present in population databases (no rsID available, gnomAD 0.0009%). This variant has not been reported in the literature in individuals affected with EGFR-related conditions. ClinVar contains an entry for this variant (Variation ID: 584699). Invitae Evidence Modeling of protein sequence and biophysical properties (such as structural, functional, and spatial information, amino acid conservation, physicochemical variation, residue mobility, and thermodynamic stability) indicates that this missense variant is not expected to disrupt EGFR protein function with a negative predictive value of 80%. In summary, the available evidence is currently insufficient to determine the role of this variant in disease. Therefore, it has been classified as a Variant of Uncertain Significance.

Ambry Genetics
Classification: Uncertain significance for Hereditary cancer-predisposing syndrome. Last evaluated: 2025-02-14. Review status: criteria provided, single submitter. Criteria: Ambry Variant Classification Scheme 2023. Collection method: clinical testing. Allele origin: germline.
Comment: The p.R999C variant (also known as c.2995C>T), located in coding exon 25 of the EGFR gene, results from a C to T substitution at nucleotide position 2995. The arginine at codon 999 is replaced by cysteine, an amino acid with highly dissimilar properties. This amino acid position is well conserved in available vertebrate species. In addition, the in silico prediction for this alteration is inconclusive. Based on the available evidence, the clinical significance of this variant remains unclear.

Mendelics
Classification: Uncertain significance for Hereditary cancer. Last evaluated: 2018-07-02. Review status: criteria provided, single submitter. Criteria: Mendelics Assertion Criteria 2017. Collection method: clinical testing. Allele origin: unknown.

NM_005228.5(EGFR):c.2995C>T (p.Arg999Cys)

Gene: EGFR (epidermal growth factor receptor; plus strand). Cytogenetic location: 7p11.2.
Variant type: single nucleotide variant.
Coding change: c.2995C>T on transcript NM_005228.5 (MANE Select); coding-DNA position 2995, C replaced by T.
Protein change: p.Arg999Cys; replaces arginine 999 with cysteine.
Molecular consequence: missense variant.
Genome position (GRCh38, 1-based): chr7:55,201,236, C>T. VCF-style: chr7-55201236-C-T. GRCh37 (hg19) VCF-style: chr7-55268929-C-T.
Other names: c.2995C>T (NM_005228.3); c.2860C>T, p.Arg954Cys (NM_001346897.2, NM_001346899.2); c.2995C>T, p.Arg999Cys (NM_001346898.2); c.2836C>T, p.Arg946Cys (NM_001346900.2); c.2194C>T, p.Arg732Cys (NM_001346941.2); short protein forms R999C, R954C, R732C, R946C.
Identifiers: ClinVar variation 584699 (VCV000584699.9), dbSNP rs866928399, ClinGen allele CA158937840.